The following is an entry in ClinVar:

NM_004360.5(CDH1):c.1221A>C (p.Pro407=)

Gene: CDH1 (cadherin 1; plus strand). Cytogenetic location: 16q22.1.
Variant type: single nucleotide variant.
Coding change: c.1221A>C on transcript NM_004360.5 (MANE Select); coding-DNA position 1221, A replaced by C.
Protein change: p.Pro407=; no amino-acid change (proline 407 retained).
Molecular consequence: synonymous variant. On other transcripts: 5 prime UTR variant (2), intron variant (1).
Genome position (GRCh38, 1-based): chr16:68,813,396, A>C. VCF-style: chr16-68813396-A-C. GRCh37 (hg19) VCF-style: chr16-68847299-A-C.
Other names: c.1221A>C (LRG_301t1); c.-395A>C (NM_001317185.2); c.-599A>C (NM_001317186.2); c.1137+1133A>C (NM_001317184.2).
Identifiers: ClinVar variation 511148 (VCV000511148.12), dbSNP rs1555515894, ClinGen allele CA496392759.

ClinVar aggregate classification (germline): Benign/Likely benign. Review status: criteria provided, multiple submitters, no conflicts (2 of 4 stars). 5 submissions from 5 submitters: Benign (1); Likely benign (4). Last evaluated 2025-03-22.

Conditions:
Hereditary cancer-predisposing syndrome. Also called: Hereditary Cancer Syndrome; Tumor predisposition; Neoplastic Syndromes, Hereditary; Hereditary neoplastic syndrome. Identifiers: Orphanet 140162, MedGen C0027672, MeSH D009386, MONDO:0015356.
Hereditary diffuse gastric adenocarcinoma (HDGC). Also called: DIFFUSE GASTRIC AND LOBULAR BREAST CANCER SYNDROME. Identifiers: Orphanet 26106, MedGen C1708349, MONDO:0007648, OMIM 137215.

Submissions (5):

Ambry Genetics
Classification: Likely benign for Hereditary cancer-predisposing syndrome. Last evaluated: 2025-03-22. Review status: criteria provided, single submitter. Criteria: Ambry Variant Classification Scheme 2023. Collection method: clinical testing. Allele origin: germline.

Myriad Genetics, Inc.
Classification: Benign for Hereditary diffuse gastric adenocarcinoma. Last evaluated: 2024-09-18. Review status: criteria provided, single submitter. Criteria: Myriad Autosomal Dominant, Autosomal Recessive and X-Linked Classification Criteria (2023). Collection method: clinical testing. Allele origin: unknown.
Comment: This variant is considered benign. This variant is a silent/synonymous amino acid change and it is not expected to impact splicing.

Color Diagnostics, LLC DBA Color Health
Classification: Likely benign for Hereditary cancer-predisposing syndrome. Last evaluated: 2024-09-17. Review status: criteria provided, single submitter. Criteria: ACMG Guidelines, 2015. Collection method: clinical testing. Allele origin: germline.

Labcorp Genetics (formerly Invitae), Labcorp
Classification: Likely benign for Hereditary diffuse gastric adenocarcinoma. Last evaluated: 2021-09-15. Review status: criteria provided, single submitter. Criteria: Invitae Variant Classification Sherloc (09022015). Collection method: clinical testing. Allele origin: germline.

GeneDx
Classification: Likely benign. Last evaluated: 2017-07-27. Review status: criteria provided, single submitter. Criteria: GeneDx Variant Classification (06012015). Collection method: clinical testing. Allele origin: germline. Affected: yes.
Comment: This variant is considered likely benign or benign based on one or more of the following criteria: it is a conservative change, it occurs at a poorly conserved position in the protein, it is predicted to be benign by multiple in silico algorithms, and/or has population frequency not consistent with disease.